The following is an entry in ClinVar:

NM_000071.3(CBS):c.1224-2A>C

Gene: CBS (cystathionine beta-synthase; minus strand). Cytogenetic location: 21q22.3.
Variant type: single nucleotide variant.
Coding change: c.1224-2A>C on transcript NM_000071.3 (MANE Select); the canonical splice acceptor site of the intron before coding-DNA position 1224, A replaced by C.
Molecular consequence: splice acceptor variant.
Genome position (GRCh38, 1-based): chr21:43,058,970, T>G on the plus strand (A>C on the coding strand, the complement: CBS is on the minus strand). VCF-style: chr21-43058970-T-G. GRCh37 (hg19) VCF-style: chr21-44479080-T-G.
Other names: IVS11AS, A-C, -2; c.1224-2A>C (NM_001320298.2, NM_001178009.3, NM_001178008.3); c.909-2A>C (NM_001321072.1).
Identifiers: ClinVar variation 128 (VCV000000128.67), dbSNP rs375846341, ClinGen allele CA113897.

ClinVar aggregate classification (germline): Pathogenic. Review status: criteria provided, multiple submitters, no conflicts (2 of 4 stars). 17 submissions from 17 submitters: Pathogenic (14). 3 of the submissions do not count toward it. Last evaluated 2025-12-20.

Conditions:
CBS-related disorder. Also called: CBS-related condition.
Homocystinuria. Identifiers: MedGen C0019880, MONDO:0004737, HP:0002156.
Familial thoracic aortic aneurysm and aortic dissection (TAAD). Also called: Thoracic aortic aneurysms and dissections. Identifiers: Orphanet 91387, MedGen C4707243, MONDO:0019625.
Classic homocystinuria. Also called: HOMOCYSTINURIA WITH OR WITHOUT RESPONSE TO PYRIDOXINE; Homocystinuria due to Cystathionine Beta-Synthase Deficiency; Homocystinuria due to CBS deficiency; Cystathionine beta-synthase deficiency; CBS deficiency. Identifiers: Orphanet 394, MedGen C0751202, MONDO:0009352, OMIM 236200.
Homocystinuria, pyridoxine-responsive. Identifiers: MedGen C3502110.
HYPERHOMOCYSTEINEMIA, THROMBOTIC, CBS-RELATED. Identifiers: MedGen C3150344, OMIM 236200.

Allele frequency attached by ClinVar (database versions not stated): ESP Exome Variant Server 0.00008; gnomAD exomes 0.00008; ExAC 0.00015.

Submissions 1 to 12 of 18:

Labcorp Genetics (formerly Invitae), Labcorp
Classification: Pathogenic for HYPERHOMOCYSTEINEMIA, THROMBOTIC, CBS-RELATED. Last evaluated: 2025-12-20. Review status: criteria provided, single submitter. Criteria: Invitae Variant Classification Sherloc (09022015). Collection method: clinical testing. Allele origin: germline.
Comment: This sequence change affects an acceptor splice site in intron 13 of the CBS gene. RNA analysis indicates that disruption of this splice site induces altered splicing and likely results in a shortened protein product. This variant is present in population databases (rs375846341, gnomAD 0.1%). Disruption of this splice site has been observed in individual(s) with homocystinuria (PMID: 1301198, 11359213, 15146473, 15365998, 20567906). In at least one individual the data is consistent with being in trans (on the opposite chromosome) from a pathogenic variant. It has also been observed to segregate with disease in related individuals. This variant is also known as IVS11-2A>C or p.W409_G453del. ClinVar contains an entry for this variant (Variation ID: 128). Studies have shown that disruption of this splice site results in skipping of exon 14, but is expected to preserve the integrity of the reading-frame (PMID: 1301198, 20490928, 20506325). For these reasons, this variant has been classified as Pathogenic.

Natera, Inc.
Classification: Pathogenic for Homocystinuria due to cystathionine beta-synthase deficiency. Last evaluated: 2025-11-12. Review status: criteria provided, single submitter. Criteria: Natera Variant Classification Schema (03/2026). Collection method: clinical testing. Allele origin: germline.
Comment: The c.1224-2A>C variant in CBS is a canonical splice acceptor site variant predicted to affect pre-mRNA splicing, which may result in an abnormal transcript and altered protein product. This variant is expected to result in nonsense mediated decay, truncation, or a dysfunctional protein product. This variant has been observed in one or more individuals affected with the associated recessive disease, as either homozygous or compound heterozygous with a second variant (PMID: 15365998). Given the available evidence, this variant is classified as Pathogenic.

Ambry Genetics
Classification: Pathogenic for Familial thoracic aortic aneurysm and aortic dissection. Last evaluated: 2025-04-30. Review status: criteria provided, single submitter. Criteria: Ambry Variant Classification Scheme 2023. Collection method: clinical testing. Allele origin: germline.
Comment: The c.1224-2A>C intronic pathogenic mutation results from an A to C substitution two nucleotides upstream from coding exon 12 in the CBS gene. Alterations that disrupt the canonical splice site are expected to result in aberrant splicing. In silico splice site analysis predicts that this alteration will weaken the native splice acceptor site and will result in the creation or strengthening of a novel splice acceptor site. A resulting transcript is predicted to be in-frame and is not expected to trigger nonsense-mediated mRNAdecay; although, direct evidence is unavailable. However, a significant portion of the protein is predicted to be impacted (Ambry internal data). This alteration has been reported with p.I278T in a subject with homocystinuria (Kozich V et al. Hum Mutat, 1992;1:113-23). This nucleotide position is highly conserved in available vertebrate species. Based on the supporting evidence, this variant is interpreted as a disease-causing mutation.

Baylor Genetics
Classification: Pathogenic for Classic homocystinuria. Last evaluated: 2024-03-29. Review status: criteria provided, single submitter. Criteria: ACMG Guidelines, 2015. Collection method: clinical testing. Allele origin: unknown.

GeneDx
Classification: Pathogenic. Last evaluated: 2023-07-07. Review status: criteria provided, single submitter. Criteria: GeneDx Variant Classification Process June 2021. Collection method: clinical testing. Allele origin: germline. Affected: yes.
Comment: Segregates with disease in affected individuals from a single family in published literature (Orendae et al., 2004); Published functional studies demonstrate decreases enzyme activity (Kozich et al., 1992; Kopeck et al., 2011; Alcaide et al., 2015); Canonical splice site variant predicted to result in an in-frame loss of the adjacent exon in a gene for which loss of function is a known mechanism of disease; This variant is associated with the following publications: (PMID: 24211323, 21030686, 1301198, 27059523, 20567906, 25525159, 15365998, 20490928, 20506325, 15146473, 11359213, 32232970, 25218699)

CeGaT Center for Human Genetics Tuebingen
Classification: Pathogenic. Last evaluated: 2023-07-01. Review status: criteria provided, single submitter. Criteria: CeGaT Center For Human Genetics Tuebingen Variant Classification Criteria Version 2. Collection method: clinical testing. Allele origin: germline. Affected: yes. Observed: 1 variant allele.
Comment: CBS: PVS1:Strong, PM2, PM3, PP4, PS3:Supporting

Revvity Omics, Revvity
Classification: Pathogenic for Classic homocystinuria. Last evaluated: 2023-06-19. Review status: criteria provided, single submitter. Criteria: ACMG Guidelines, 2015. Collection method: clinical testing. Allele origin: germline.

3billion
Classification: Pathogenic for Classic homocystinuria. Last evaluated: 2022-09-01. Review status: criteria provided, single submitter. Criteria: ACMG Guidelines, 2015. Collection method: clinical testing. Allele origin: germline. Affected: yes. Observed: 1 heterozygote.
Comment: The variant is observed at an extremely low frequency in the gnomAD v2.1.1 dataset (total allele frequency: 0.008%). This variant on the canonical splice site is predicted to alter splicing, resulting in a loss or disruption of normal protein function. Multiple pathogenic loss-of-function variants are reported downstream of the variant. The variant has been reported at least twice as pathogenic with clinical assertions and evidence for the classification (ClinVar ID: VCV000000128). Therefore, this variant is classified as Pathogenic according to the recommendation of ACMG/AMP guideline.

Myriad Genetics, Inc.
Classification: Pathogenic for Classic homocystinuria. Last evaluated: 2021-11-09. Review status: criteria provided, single submitter. Criteria: Myriad Women's Health Autosomal Recessive and X-Linked Classification Criteria (2021). Collection method: clinical testing. Allele origin: unknown.
Comment: NM_000071.2(CBS):c.1224-2A>C is a canonical splice variant classified as pathogenic in the context of homocystinuria, CBS-related. c.1224-2A>C has been observed in cases with relevant disease (PMID: 15365998). Functional assessments of this variant are available in the literature (PMID: 20506325, 20490928). c.1224-2A>C has been observed in population frequency databases (gnomAD: ASJ 0.14%). In summary, NM_000071.2(CBS):c.1224-2A>C is a canonical splice variant that has been observed more frequently in cases with the relevant disease than in healthy populations. Please note: this variant was assessed in the context of healthy population screening.

Fulgent Genetics
Classification: Pathogenic for Classic homocystinuria. Last evaluated: 2021-08-25. Review status: criteria provided, single submitter. Criteria: ACMG Guidelines, 2015. Collection method: clinical testing. Allele origin: unknown.

Centre for Mendelian Genomics, University Medical Centre Ljubljana
Classification: Pathogenic for Classic homocystinuria. Last evaluated: 2019-10-24. Review status: criteria provided, single submitter. Criteria: ACMG Guidelines, 2015. Collection method: clinical testing. Allele origin: unknown. Affected: yes.
Comment: This variant was classified as: Pathogenic. The following ACMG criteria were applied in classifying this variant: PVS1,PS1,PM2.

Illumina Laboratory Services, Illumina
Classification: Pathogenic for Classic homocystinuria. Last evaluated: 2018-09-21. Review status: criteria provided, single submitter. Criteria: ICSL Variant Classification Criteria 09 May 2019. Collection method: clinical testing. Allele origin: germline.
Comment: The CBS c.1224-2A>C variant, which occurs in a canonical splice acceptor site, has been reported in seven studies and is found in a total of 33 individuals with homocystinuria, including three homozygotes, 28 compound heterozygotes, and two heterozygotes (Kozich et al. 1992; Janosik et al. 2001; Orendae et al. 2004; Linnebank et al. 2004; Magner et al. 2011; Karaca et al. 2014; Alcaide et al. 2015). Control data are unavailable for this variant, which is reported at a frequency of 0.0003 in the European (non-Finnish) population of the Exome Aggregation Consortium. The c.1224-2A>C variant was found to cause an in-frame deletion of exon 12 and result in an inactive protein (Kozich et al. 1992). Functional studies in E. coli confirmed that the c.1224-2A>C variant results in an inactive enzyme (Janosik et al. 2001; Orendae et al. 2004), and CBS activity in cultured skin fibroblasts from probands carrying this variant was significantly reduced compared to wild type (Janosik et al. 2001). Based on the collective evidence and the potential impact of splice acceptor variants, the c.1224-2A>C variant is classified as pathogenic for homocystinuria. This variant was observed by ICSL as part of a predisposition screen in an ostensibly healthy population.